The following is an entry in ClinVar:

NM_031407.7(HUWE1):c.211A>G (p.Thr71Ala)

Gene: HUWE1 (HECT, UBA and WWE domain containing E3 ubiquitin protein ligase 1; minus strand). Cytogenetic location: Xp11.22.
Variant type: single nucleotide variant.
Coding change: c.211A>G on transcript NM_031407.7 (MANE Select); coding-DNA position 211, A replaced by G.
Protein change: p.Thr71Ala; replaces threonine 71 with alanine.
Molecular consequence: missense variant.
Genome position (GRCh38, 1-based): chrX:53,647,508, T>C on the plus strand (A>G on the coding strand, the complement: HUWE1 is on the minus strand). VCF-style: chrX-53647508-T-C. GRCh37 (hg19) VCF-style: chrX-53674451-T-C.
Other names: short protein forms T71A.
Identifiers: ClinVar variation 1702580 (VCV001702580.2), dbSNP rs1557036913, ClinGen allele CA413166167.

ClinVar aggregate classification (germline): Uncertain significance (1 of 4 stars; one submission).

Allele frequency attached by ClinVar (database versions not stated): gnomAD exomes below 0.00001; gnomAD 0.00001.
gnomAD v4.1: 2 of 1,207,307 alleles (0.00017%); highest among the groups gnomAD compares: African/African-American, 0.0018%; no homozygotes.

Submission:

GeneDx
Classification: Uncertain significance. Last evaluated: 2022-02-17. Review status: criteria provided, single submitter. Criteria: GeneDx Variant Classification Process June 2021. Collection method: clinical testing. Allele origin: germline. Affected: yes.
Comment: In silico analysis supports that this missense variant does not alter protein structure/function; Has not been previously published as pathogenic or benign to our knowledge